The following is an entry in ClinVar:

ClinVar aggregate classification (germline): Uncertain significance (1 of 4 stars; one submission).

Allele frequency attached by ClinVar (database versions not stated): gnomAD exomes below 0.00001; TOPMed below 0.00001.
gnomAD v4.1: 2 of 1,587,180 alleles (0.00013%); highest among the groups gnomAD compares: Admixed American, 0.0018%; no homozygotes.

Submission:

Labcorp Genetics (formerly Invitae), Labcorp
Classification: Uncertain significance. Last evaluated: 2022-05-25. Review status: criteria provided, single submitter. Criteria: Invitae Variant Classification Sherloc (09022015). Collection method: clinical testing. Allele origin: germline.
Comment: Algorithms developed to predict the effect of missense changes on protein structure and function are either unavailable or do not agree on the potential impact of this missense change (SIFT: "Not Available"; PolyPhen-2: "Probably Damaging"; Align-GVGD: "Not Available"). This sequence change replaces glycine, which is neutral and non-polar, with serine, which is neutral and polar, at codon 319 of the TCF3 protein (p.Gly319Ser). This variant also falls at the last nucleotide of exon 11, which is part of the consensus splice site for this exon. This variant is not present in population databases (gnomAD no frequency). This variant has not been reported in the literature in individuals affected with TCF3-related conditions. Variants that disrupt the consensus splice site are a relatively common cause of aberrant splicing (PMID: 17576681, 9536098). In summary, the available evidence is currently insufficient to determine the role of this variant in disease. Therefore, it has been classified as a Variant of Uncertain Significance.

Literature cited by the submitters: PubMed 17576681; PubMed 9536098.

NM_003200.5(TCF3):c.955G>A (p.Gly319Ser)

Gene: TCF3 (transcription factor 3; minus strand). Cytogenetic location: 19p13.3.
Variant type: single nucleotide variant.
Coding change: c.955G>A on transcript NM_003200.5 (MANE Select); coding-DNA position 955, G replaced by A.
Protein change: p.Gly319Ser; replaces glycine 319 with serine.
Molecular consequence: missense variant.
Genome position (GRCh38, 1-based): chr19:1,621,838, C>T on the plus strand (G>A on the coding strand, the complement: TCF3 is on the minus strand). VCF-style: chr19-1621838-C-T. GRCh37 (hg19) VCF-style: chr19-1621837-C-T.
Other names: c.955G>A, p.Gly319Ser (NM_001136139.4, NM_001351778.2, NM_001351779.2); short protein forms G319S.
Identifiers: ClinVar variation 1937048 (VCV001937048.5), dbSNP rs2062265590, ClinGen allele CA403054925.